The following is an entry in ClinVar:

NM_005857.5(ZMPSTE24):c.544T>G (p.Ser182Ala)

Gene: ZMPSTE24 (zinc metallopeptidase STE24; plus strand). Cytogenetic location: 1p34.2.
Variant type: single nucleotide variant.
Coding change: c.544T>G on transcript NM_005857.5 (MANE Select); coding-DNA position 544, T replaced by G.
Protein change: p.Ser182Ala; replaces serine 182 with alanine.
Molecular consequence: missense variant.
Genome position (GRCh38, 1-based): chr1:40,270,044, T>G. VCF-style: chr1-40270044-T-G. GRCh37 (hg19) VCF-style: chr1-40735716-T-G.
Other names: short protein forms S182A.
Identifiers: ClinVar variation 1504997 (VCV001504997.5), dbSNP rs775051310, ClinGen allele CA791015.

ClinVar aggregate classification (germline): Uncertain significance (1 of 4 stars; one submission).

Allele frequency attached by ClinVar (database versions not stated): TOPMed below 0.00001; ExAC 0.00001; gnomAD 0.00001; gnomAD exomes 0.00001.

Submission:

Labcorp Genetics (formerly Invitae), Labcorp
Classification: Uncertain significance. Last evaluated: 2022-07-05. Review status: criteria provided, single submitter. Criteria: Invitae Variant Classification Sherloc (09022015). Collection method: clinical testing. Allele origin: germline.
Comment: This sequence change replaces serine, which is neutral and polar, with alanine, which is neutral and non-polar, at codon 182 of the ZMPSTE24 protein (p.Ser182Ala). This variant is present in population databases (rs775051310, gnomAD 0.009%). This variant has not been reported in the literature in individuals affected with ZMPSTE24-related conditions. ClinVar contains an entry for this variant (Variation ID: 1504997). Algorithms developed to predict the effect of missense changes on protein structure and function are either unavailable or do not agree on the potential impact of this missense change (SIFT: "Not Available"; PolyPhen-2: "Benign"; Align-GVGD: "Not Available"). In summary, the available evidence is currently insufficient to determine the role of this variant in disease. Therefore, it has been classified as a Variant of Uncertain Significance.